The following is an entry in ClinVar:

NM_001036.6(RYR3):c.6073C>T (p.Arg2025Cys)

Gene: RYR3 (ryanodine receptor 3; plus strand). Cytogenetic location: 15q14.
Variant type: single nucleotide variant.
Coding change: c.6073C>T on transcript NM_001036.6 (MANE Select); coding-DNA position 6073, C replaced by T.
Protein change: p.Arg2025Cys; replaces arginine 2025 with cysteine.
Molecular consequence: missense variant.
Genome position (GRCh38, 1-based): chr15:33,696,430, C>T. VCF-style: chr15-33696430-C-T. GRCh37 (hg19) VCF-style: chr15-33988631-C-T.
Other names: c.6073C>T, p.Arg2025Cys (NM_001243996.4); short protein forms R2025C.
Identifiers: ClinVar variation 938691 (VCV000938691.9), dbSNP rs1281440819, ClinGen allele CA391582103.
Genomic context (GRCh38, chr15:33,696,430, plus strand): 5'-ACCATCAGCCACACCTCTGTAAGCGACACCATCAACCTGCTGGCTGCCCTGGGCCAAATC[C>T]GCTCCCTCCTCAGTGTCAGGATGGGCAAGGAAGAGGAGTTGCTCATGATCAATGGGCTGG-3'
Protein context (NP_001027.3, residues 2015-2035): INLLAALGQI[Arg2025Cys]SLLSVRMGKE

ClinVar aggregate classification (germline): Uncertain significance (1 of 4 stars; one submission).

Conditions:
Epileptic encephalopathy. Identifiers: MedGen C0543888, HP:0200134.

Allele frequency attached by ClinVar (database versions not stated): gnomAD 0.00001; TOPMed 0.00002.
gnomAD v4.1: 19 of 1,613,786 alleles (0.0012%); highest among the groups gnomAD compares: East Asian, 0.016%; no homozygotes.

Submission:

Labcorp Genetics (formerly Invitae), Labcorp
Classification: Uncertain significance for Epileptic encephalopathy. Last evaluated: 2022-07-12. Review status: criteria provided, single submitter. Criteria: Invitae Variant Classification Sherloc (09022015). Collection method: clinical testing. Allele origin: germline.
Comment: In summary, the available evidence is currently insufficient to determine the role of this variant in disease. Therefore, it has been classified as a Variant of Uncertain Significance. Algorithms developed to predict the effect of missense changes on protein structure and function (SIFT, PolyPhen-2, Align-GVGD) all suggest that this variant is likely to be disruptive. ClinVar contains an entry for this variant (Variation ID: 938691). This variant has not been reported in the literature in individuals affected with RYR3-related conditions. This variant is present in population databases (no rsID available, gnomAD 0.003%). This sequence change replaces arginine, which is basic and polar, with cysteine, which is neutral and slightly polar, at codon 2025 of the RYR3 protein (p.Arg2025Cys).